The following is an entry in ClinVar:

ClinVar aggregate classification (germline): Pathogenic. Review status: criteria provided, multiple submitters, no conflicts (2 of 4 stars). 2 submissions from 2 submitters: Pathogenic (2). Last evaluated 2026-02-03.

Conditions:
Lynch syndrome 5 (LYNCH5). Also called: Colorectal cancer, hereditary nonpolyposis, type 5; Hereditary non-polyposis colorectal cancer, type 5. Identifiers: Orphanet 144, MedGen C1833477, MONDO:0013710, OMIM 614350. Disease mechanism: loss of function.
Hereditary cancer-predisposing syndrome. Also called: Tumor predisposition; Hereditary Cancer Syndrome; Neoplastic Syndromes, Hereditary; Hereditary neoplastic syndrome. Identifiers: Orphanet 140162, MedGen C0027672, MeSH D009386, MONDO:0015356.

Submissions (2):

Ambry Genetics
Classification: Pathogenic for Hereditary cancer-predisposing syndrome. Last evaluated: 2026-02-03. Review status: criteria provided, single submitter. Criteria: Ambry Variant Classification Scheme 2023. Collection method: clinical testing. Allele origin: germline.
Comment: The c.1383dupT pathogenic mutation, located in coding exon 4 of the MSH6 gene, results from a duplication of T at nucleotide position 1383, causing a translational frameshift with a predicted alternate stop codon (p.P462Sfs*2). This variant is considered to be rare based on population cohorts in the Genome Aggregation Database (gnomAD). This alteration is expected to result in loss of function by premature protein truncation or nonsense-mediated mRNA decay. As such, this alteration is interpreted as a disease-causing mutation.

Myriad Genetics, Inc.
Classification: Pathogenic for Lynch syndrome 5. Last evaluated: 2023-08-14. Review status: criteria provided, single submitter. Criteria: Myriad Autosomal Dominant, Autosomal Recessive and X-Linked Classification Criteria (2023). Collection method: clinical testing. Allele origin: unknown.
Comment: This variant is considered pathogenic. This variant creates a frameshift predicted to result in premature protein truncation.

NM_000179.3(MSH6):c.1383dup (p.Pro462fs)

Gene: MSH6 (mutS homolog 6; plus strand). Cytogenetic location: 2p16.3.
Variant type: Duplication.
Coding change: c.1383dup on transcript NM_000179.3 (MANE Select); coding-DNA position 1383, one base duplicated (T; older notation c.1383dupT).
Protein change: p.Pro462fs; shifts the reading frame from proline 462.
Molecular consequence: frameshift variant.
Genome position (GRCh38, 1-based): chr2:47,799,366, T duplicated; the last of 3 consecutive T bases (chr2:47,799,364-47,799,366); duplicating any one gives the same sequence. VCF-style (leftmost placement, unchanged base first): chr2-47799363-C-CT. GRCh37 (hg19) VCF-style: chr2-48026502-C-CT.
Other names: c.993dup, p.Pro332fs (NM_001281492.2); c.477dup, p.Pro160fs (NM_001281493.2, NM_001281494.2); c.1383dupT (NM_000179.2); short protein forms P332fs, P160fs, P462fs.
Identifiers: ClinVar variation 485881 (VCV000485881.7), dbSNP rs1553412804, ClinGen allele CA658655753.